The following is an entry in ClinVar:

ClinVar aggregate classification (germline): Uncertain significance (1 of 4 stars; one submission).

Submission:

Labcorp Genetics (formerly Invitae), Labcorp
Classification: Uncertain significance. Last evaluated: 2023-11-27. Review status: criteria provided, single submitter. Criteria: Invitae Variant Classification Sherloc (09022015). Collection method: clinical testing. Allele origin: germline.
Comment: This sequence change replaces alanine, which is neutral and non-polar, with aspartic acid, which is acidic and polar, at codon 22 of the MS4A1 protein (p.Ala22Asp). This variant is not present in population databases (gnomAD no frequency). This variant has not been reported in the literature in individuals affected with MS4A1-related conditions. Algorithms developed to predict the effect of missense changes on protein structure and function output the following: SIFT: "Not Available"; PolyPhen-2: "Benign"; Align-GVGD: "Not Available". The aspartic acid amino acid residue is found in multiple mammalian species, which suggests that this missense change does not adversely affect protein function. In summary, the available evidence is currently insufficient to determine the role of this variant in disease. Therefore, it has been classified as a Variant of Uncertain Significance.

NM_152866.3(MS4A1):c.65C>A (p.Ala22Asp)

Gene: MS4A1 (membrane spanning 4-domains A1; plus strand). Cytogenetic location: 11q12.2.
Variant type: single nucleotide variant.
Coding change: c.65C>A on transcript NM_152866.3 (MANE Select); coding-DNA position 65, C replaced by A.
Protein change: p.Ala22Asp; replaces alanine 22 with aspartic acid.
Molecular consequence: missense variant.
Genome position (GRCh38, 1-based): chr11:60,462,439, C>A. VCF-style: chr11-60462439-C-A. GRCh37 (hg19) VCF-style: chr11-60229912-C-A.
Other names: c.65C>A, p.Ala22Asp (NM_021950.4, NM_152867.2); short protein forms A22D.
Identifiers: ClinVar variation 2822969 (VCV002822969.3), dbSNP rs2135197243, ClinGen allele CA380597721.